The following is an entry in ClinVar:

NM_024334.3(TMEM43):c.948G>T (p.Trp316Cys)

Gene: TMEM43 (transmembrane protein 43; plus strand). Cytogenetic location: 3p25.1.
Variant type: single nucleotide variant.
Coding change: c.948G>T on transcript NM_024334.3 (MANE Select); coding-DNA position 948, G replaced by T.
Protein change: p.Trp316Cys; replaces tryptophan 316 with cysteine.
Molecular consequence: missense variant.
Genome position (GRCh38, 1-based): chr3:14,139,245, G>T. VCF-style: chr3-14139245-G-T. GRCh37 (hg19) VCF-style: chr3-14180745-G-T.
Other names: c.951G>T, p.Trp317Cys (NM_001407274.1); c.945G>T, p.Trp315Cys (NM_001407275.1, NM_001407276.1); c.942G>T, p.Trp314Cys (NM_001407277.1); c.933G>T, p.Trp311Cys (NM_001407278.1); c.873G>T, p.Trp291Cys (NM_001407279.1); c.798G>T, p.Trp266Cys (NM_001407280.1); short protein forms W266C, W311C, W291C, W315C, W317C, W314C, W316C.
Identifiers: ClinVar variation 4742105 (VCV004742105.1).

ClinVar aggregate classification (germline): Uncertain significance. Review status: criteria provided, multiple submitters, no conflicts (2 of 4 stars). 2 submissions from 2 submitters: Uncertain significance (2). Last evaluated 2025-07-07.

Conditions:
Arrhythmogenic right ventricular dysplasia 5. Also called: Arrhythmogenic Right Ventricular Dysplasia/Cardiomyopathy 5; ARRHYTHMOGENIC RIGHT VENTRICULAR DYSPLASIA, FAMILIAL, 5. Identifiers: MedGen C1858379, MONDO:0011459, OMIM 604400.
Cardiomyopathy (CMYO). Also called: Cardiomyopathies. Identifiers: Orphanet 167848, MedGen C0878544, MONDO:0004994, HP:0001638. Inheritance: Various modes of inheritance.

Submissions (2):

Color Diagnostics, LLC DBA Color Health
Classification: Uncertain significance for Cardiomyopathy. Last evaluated: 2025-07-07. Review status: criteria provided, single submitter. Criteria: ACMG Guidelines, 2015. Collection method: clinical testing. Allele origin: germline.
Comment: This missense variant replaces tryptophan with cysteine at codon 316 of the TMEM43 protein. Computational prediction suggests that this variant may not impact protein structure and function. To our knowledge, functional studies have not been reported for this variant. This variant has not been reported in individuals affected with TMEM43-related disorders in the literature. This variant has not been identified in the general population by the Genome Aggregation Database (gnomAD). The available evidence is insufficient to determine the role of this variant in disease conclusively. Therefore, this variant is classified as a Variant of Uncertain Significance.

Labcorp Genetics (formerly Invitae), Labcorp
Classification: Uncertain significance for Arrhythmogenic right ventricular dysplasia 5. Last evaluated: 2025-07-02. Review status: criteria provided, single submitter. Criteria: Invitae Variant Classification Sherloc (09022015). Collection method: clinical testing. Allele origin: germline.
Comment: This sequence change replaces tryptophan, which is neutral and slightly polar, with cysteine, which is neutral and slightly polar, at codon 316 of the TMEM43 protein (p.Trp316Cys). This variant is not present in population databases (gnomAD no frequency). This variant has not been reported in the literature in individuals affected with TMEM43-related conditions. Invitae Evidence Modeling of protein sequence and biophysical properties (such as structural, functional, and spatial information, amino acid conservation, physicochemical variation, residue mobility, and thermodynamic stability) indicates that this missense variant is not expected to disrupt TMEM43 protein function with a negative predictive value of 80%. In summary, the available evidence is currently insufficient to determine the role of this variant in disease. Therefore, it has been classified as a Variant of Uncertain Significance.